The following is an entry in ClinVar:

ClinVar aggregate classification (germline): Likely benign. Review status: criteria provided, multiple submitters, no conflicts (2 of 4 stars). 2 submissions from 2 submitters: Likely benign (2). Last evaluated 2022-09-01.

Allele frequency attached by ClinVar (database versions not stated): gnomAD exomes below 0.00001; TOPMed below 0.00001; gnomAD 0.00001.
gnomAD v4.1: 5 of 1,550,712 alleles (0.00032%); highest among the groups gnomAD compares: East Asian, 0.0024%; no homozygotes.

Submissions (2):

CeGaT Center for Human Genetics Tuebingen
Classification: Likely benign. Last evaluated: 2022-09-01. Review status: criteria provided, single submitter. Criteria: CeGaT Center For Human Genetics Tuebingen Variant Classification Criteria Version 2. Collection method: clinical testing. Allele origin: germline. Affected: yes. Observed: 1 variant allele.
Comment: OTOG: BP4, BP7

Labcorp Genetics (formerly Invitae), Labcorp
Classification: Likely benign. Last evaluated: 2021-11-08. Review status: criteria provided, single submitter. Criteria: Invitae Variant Classification Sherloc (09022015). Collection method: clinical testing. Allele origin: germline.

NM_001292063.2(OTOG):c.1830C>T (p.Asn610=)

Gene: OTOG (otogelin; plus strand). Cytogenetic location: 11p15.1.
Variant type: single nucleotide variant.
Coding change: c.1830C>T on transcript NM_001292063.2 (MANE Select); coding-DNA position 1830, C replaced by T.
Protein change: p.Asn610=; no amino-acid change (asparagine 610 retained).
Molecular consequence: synonymous variant.
Genome position (GRCh38, 1-based): chr11:17,570,265, C>T. VCF-style: chr11-17570265-C-T. GRCh37 (hg19) VCF-style: chr11-17591812-C-T.
Other names: c.1866C>T, p.Asn622= (NM_001277269.2).
Identifiers: ClinVar variation 1645907 (VCV001645907.31), dbSNP rs1354880626, ClinGen allele CA473310551.